The following is an entry in ClinVar:

NM_000038.6(APC):c.7232A>G (p.Asn2411Ser)

Gene: APC (APC regulator of Wnt signaling pathway; plus strand). Cytogenetic location: 5q22.2.
Variant type: single nucleotide variant.
Coding change: c.7232A>G on transcript NM_000038.6 (MANE Select); coding-DNA position 7232, A replaced by G.
Protein change: p.Asn2411Ser; replaces asparagine 2411 with serine.
Molecular consequence: missense variant. On other transcripts: non-coding transcript variant (2).
Genome position (GRCh38, 1-based): chr5:112,842,826, A>G. VCF-style: chr5-112842826-A-G. GRCh37 (hg19) VCF-style: chr5-112178523-A-G.
Other names: c.7232A>G, p.Asn2411Ser (NM_001127510.3, NM_001354895.2, NM_001407450.1); c.7178A>G, p.Asn2393Ser (NM_001127511.3); c.7286A>G, p.Asn2429Ser (NM_001354896.2, NM_001407447.1, NM_001407448.1 and 1 more transcripts); c.7262A>G, p.Asn2421Ser (NM_001354897.2); c.7157A>G, p.Asn2386Ser (NM_001354898.2); c.7148A>G, p.Asn2383Ser (NM_001354899.2); c.7109A>G, p.Asn2370Ser (NM_001354900.2); c.7055A>G, p.Asn2352Ser (NM_001354901.2, NM_001407453.1); and 11 more; short protein forms N2285S, N2310S, N2320S, N2328S, N2411S, N2282S, N2352S, N2383S.
Identifiers: ClinVar variation 2960793 (VCV002960793.3), dbSNP rs1412181086, ClinGen allele CA16037083.
Genomic context (GRCh38, chr5:112,842,826, plus strand): 5'-TTCCAAGAAGTGAGTCTGCCTCCAAAGGACTAAATCAGATGAATAATGGTAATGGAGCCA[A>G]TAAAAAGGTAGAACTTTCTAGAATGTCTTCAACTAAATCAAGTGGAAGTGAATCTGATAG-3'
Protein context (NP_000029.2, residues 2401-2421): LNQMNNGNGA[Asn2411Ser]KKVELSRMSS

ClinVar aggregate classification (germline): Uncertain significance (1 of 4 stars; one submission).

Conditions:
Familial adenomatous polyposis 1 (FAP1). Also called: FAMILIAL ADENOMATOUS POLYPOSIS 1, ATTENUATED; POLYPOSIS, ADENOMATOUS INTESTINAL. Identifiers: MedGen C2713442, MONDO:0021056, OMIM 175100. Disease mechanism: loss of function.

Allele frequency attached by ClinVar (database versions not stated): TOPMed below 0.00001; gnomAD 0.00001.
gnomAD v4.1: 2 of 1,613,690 alleles (0.00012%); highest among the groups gnomAD compares: Non-Finnish European, 0.00017%; no homozygotes.

Submission:

Labcorp Genetics (formerly Invitae), Labcorp
Classification: Uncertain significance for Familial adenomatous polyposis 1. Last evaluated: 2024-01-28. Review status: criteria provided, single submitter. Criteria: Invitae Variant Classification Sherloc (09022015). Collection method: clinical testing. Allele origin: germline.
Comment: This sequence change replaces asparagine, which is neutral and polar, with serine, which is neutral and polar, at codon 2411 of the APC protein (p.Asn2411Ser). This variant is not present in population databases (gnomAD no frequency). This variant has not been reported in the literature in individuals affected with APC-related conditions. Advanced modeling of protein sequence and biophysical properties (such as structural, functional, and spatial information, amino acid conservation, physicochemical variation, residue mobility, and thermodynamic stability) performed at Invitae indicates that this missense variant is not expected to disrupt APC protein function with a negative predictive value of 95%. In summary, the available evidence is currently insufficient to determine the role of this variant in disease. Therefore, it has been classified as a Variant of Uncertain Significance.